The following is an entry in ClinVar:

ClinVar aggregate classification (germline): Pathogenic/Likely pathogenic. Review status: criteria provided, multiple submitters, no conflicts (2 of 4 stars). 5 submissions from 5 submitters: Pathogenic (1); Likely pathogenic (3). 1 of the submissions does not count toward it. Last evaluated 2024-05-20.

Conditions:
Cystic fibrosis (CF). Also called: MUCOVISCIDOSIS. Identifiers: Orphanet 586, MedGen C0010674, MONDO:0009061, OMIM 219700. Disease mechanism: loss of function.
Congenital bilateral aplasia of vas deferens from CFTR mutation (CBAVD). Identifiers: Orphanet 48, MedGen C0403814, MONDO:0010178, OMIM 277180. Disease mechanism: loss of function.
CFTR-related disorder (CFTR-RD). Also called: CFTR-related disorders; CFTR-related condition. Identifiers: MedGen C5924204, MONDO:7770004.

Submissions (5):

Natera, Inc.
Classification: Likely pathogenic for CFTR-related disorders. Last evaluated: 2024-05-20. Review status: criteria provided, single submitter. Criteria: Natera Variant Classification Schema (03/2026). Collection method: clinical testing. Allele origin: germline.
Comment: The c.2644_2645dupTG variant in CFTR is a frameshift variant predicted to shift the reading frame beginning at codon 882 and leads to a stop codon 25 codons downstream. This variant is expected to result in nonsense mediated decay, truncation, or a dysfunctional protein product. This variant is rare in the general population with a frequency below the threshold expected for the associated phenotype(s). Given the available evidence, this variant is classified as Likely Pathogenic.

Women's Health and Genetics/Laboratory Corporation of America, LabCorp
Classification: Likely pathogenic for Cystic fibrosis. Last evaluated: 2023-03-17. Review status: criteria provided, single submitter. Criteria: LabCorp Variant Classification Summary - May 2015. Collection method: clinical testing. Allele origin: germline.
Comment: Variant summary: CFTR c.2644_2645dupTG (p.Trp882CysfsX25) results in a premature termination codon, predicted to cause a truncation of the encoded protein or absence of the protein due to nonsense mediated decay, which are commonly known mechanisms for disease. Truncations downstream of this position have been classified as pathogenic by our laboratory. The variant was absent in 251478 control chromosomes. To our knowledge, no occurrence of c.2644_2645dupTG in individuals affected with Cystic Fibrosis and no experimental evidence demonstrating its impact on protein function have been reported. Two submitters have provided clinical-significance assessments for this variant to ClinVar after 2014 without evidence for independent evaluation, and classified the variant as pathogenic/likely pathogenic. Based on the evidence outlined above, the variant was classified as likely pathogenic.

Institute of Human Genetics, University of Leipzig Medical Center
Classification: Pathogenic for Cystic fibrosis. Last evaluated: 2022-09-05. Review status: criteria provided, single submitter. Criteria: ACMG Guidelines, 2015. Collection method: curation. Allele origin: unknown. Affected: yes. Observed: 2 variant alleles.
Comment: This variant was identified in 2 unrelated patients with a clinically confirmed diagnosis of cystic fibrosis. The variant was classified in the context of a project re-classifying variants in the German Cystic Fibrosis Registry (Muko.e.V.). Criteria applied: PVS1, PM2_SUP, PM3, PP4

Baylor Genetics
Classification: Likely pathogenic for Congenital bilateral aplasia of vas deferens from CFTR mutation; Cystic fibrosis. Review status: criteria provided, single submitter. Criteria: ACMG Guidelines, 2015. Collection method: clinical testing. Allele origin: germline.

Counsyl
Classification: Likely pathogenic for Cystic fibrosis. Last evaluated: 2018-04-03. Review status: no assertion criteria provided. Collection method: clinical testing. Allele origin: unknown. Not counted in ClinVar's aggregate classification.

NM_000492.4(CFTR):c.2644_2645dup (p.Trp882fs)

Gene: CFTR (CF transmembrane conductance regulator; plus strand). Cytogenetic location: 7q31.2.
Variant type: Microsatellite.
Coding change: c.2644_2645dup on transcript NM_000492.4 (MANE Select); coding-DNA positions 2644 to 2645, 2 bases duplicated (TG; older notation c.2644_2645dupTG).
Protein change: p.Trp882fs; shifts the reading frame from tryptophan 882.
Molecular consequence: frameshift variant.
Genome position (GRCh38, 1-based): chr7:117,602,850-117,602,851, TG duplicated; duplicating any 2 consecutive bases within chr7:117,602,848-117,602,851 gives the same sequence; the c. name uses the placement nearest the transcript's 3' end. VCF-style (leftmost placement, unchanged base first): chr7-117602847-C-CTG. GRCh37 (hg19) VCF-style: chr7-117242901-C-CTG.
Other names: short protein forms W882fs.
Identifiers: ClinVar variation 557623 (VCV000557623.6), dbSNP rs1554390864, ClinGen allele CA658822503.
Genomic context (GRCh38, chr7:117,602,847, plus strand): 5'-TGTTAGAAAAAAAATCAACTGTGTCTTGTTCCATTCCAGGTGGCTGCTTCTTTGGTTGTG[C>CTG]TGTGGCTCCTTGGAAAGTGAGTATTCCATGTCCTATTGTGTAGATTGTGTTTTATTTCTG-3'